The following is an entry in ClinVar:

NM_000245.4(MET):c.2731-8A>T

Gene: MET (MET proto-oncogene, receptor tyrosine kinase; plus strand). Cytogenetic location: 7q31.2.
Variant type: single nucleotide variant.
Coding change: c.2731-8A>T on transcript NM_000245.4 (MANE Select); 8 bases into the intron before coding-DNA position 2731, A replaced by T.
Molecular consequence: intron variant.
Genome position (GRCh38, 1-based): chr7:116,771,490, A>T. VCF-style: chr7-116771490-A-T. GRCh37 (hg19) VCF-style: chr7-116411544-A-T.
Other names: c.2785-8A>T (LRG_662t1, NM_001127500.3); c.1441-8A>T (NM_001324402.2).
Identifiers: ClinVar variation 220139 (VCV000220139.14), dbSNP rs538856434, ClinGen allele CA348035.

ClinVar aggregate classification (germline): Likely benign. Review status: criteria provided, multiple submitters, no conflicts (2 of 4 stars). 3 submissions from 3 submitters: Likely benign (3). Last evaluated 2026-01-07.

Conditions:
Renal cell carcinoma. Identifiers: Orphanet 217071, MedGen C0007134, MeSH D002292, MONDO:0005086, HP:0005584.
Papillary renal cell carcinoma type 1 (RCCP1). Also called: Renal adenocarcinoma; Renal cell carcinoma 1; Renal cell carcinoma, somatic; RENAL CELL CARCINOMA, PAPILLARY, 1, SOMATIC. Identifiers: Orphanet 47044, MedGen C1336839, OMIM 605074, HP:0011797.

Allele frequency attached by ClinVar (database versions not stated): gnomAD exomes 0.00001 and 0.00004; gnomAD 0.00002 and 0.00004; ExAC 0.00003; TOPMed 0.00003; 1000 Genomes Project 30x 0.00031; 1000 Genomes Project 0.00040.
gnomAD v4.1: 27 of 1,613,606 alleles (0.0017%); highest among the groups gnomAD compares: East Asian, 0.058%; 1 homozygote.

Submissions (3):

Labcorp Genetics (formerly Invitae), Labcorp
Classification: Likely benign for Renal cell carcinoma. Last evaluated: 2026-01-07. Review status: criteria provided, single submitter. Criteria: Invitae Variant Classification Sherloc (09022015). Collection method: clinical testing. Allele origin: germline.

Center for Genomic Medicine, Rigshospitalet, Copenhagen University Hospital
Classification: Likely benign. Last evaluated: 2025-12-29. Review status: criteria provided, single submitter. Criteria: ACMG Guidelines, 2015. Collection method: clinical testing. Allele origin: germline.
Comment: Classification criteria: BP7, BP4

Myriad Genetics, Inc.
Classification: Likely benign for Papillary renal cell carcinoma type 1. Last evaluated: 2024-11-12. Review status: criteria provided, single submitter. Criteria: Myriad Autosomal Dominant, Autosomal Recessive and X-Linked Classification Criteria (2023). Collection method: clinical testing. Allele origin: unknown.
Comment: This variant is considered likely benign. This variant is intronic and is not expected to impact mRNA splicing.